The following is an entry in ClinVar:

NM_001303256.3(MORC2):c.2365A>G (p.Lys789Glu)

Gene: MORC2 (MORC family CW-type zinc finger 2; minus strand). Cytogenetic location: 22q12.2.
Variant type: single nucleotide variant.
Coding change: c.2365A>G on transcript NM_001303256.3 (MANE Select); coding-DNA position 2365, A replaced by G.
Protein change: p.Lys789Glu; replaces lysine 789 with glutamic acid.
Molecular consequence: missense variant.
Genome position (GRCh38, 1-based): chr22:30,933,481, T>C on the plus strand (A>G on the coding strand, the complement: MORC2 is on the minus strand). VCF-style: chr22-30933481-T-C. GRCh37 (hg19) VCF-style: chr22-31329468-T-C.
Other names: c.2365A>G, p.Lys789Glu (NM_001303257.2); c.2179A>G, p.Lys727Glu (NM_014941.3); short protein forms K727E, K789E.
Identifiers: ClinVar variation 4745852 (VCV004745852.1).

ClinVar aggregate classification (germline): Uncertain significance (1 of 4 stars; one submission).

Conditions:
Charcot-Marie-Tooth disease axonal type 2Z. Also called: CHARCOT-MARIE-TOOTH DISEASE, AXONAL, AUTOSOMAL DOMINANT, TYPE 2Z; CHARCOT-MARIE-TOOTH NEUROPATHY, TYPE 2Z. Identifiers: Orphanet 466768, MedGen C5569025, MONDO:0014736, OMIM 616688.

gnomAD v4.1: 5 of 1,613,774 alleles (0.00031%); highest among the groups gnomAD compares: East Asian, 0.0067%; no homozygotes.

Submission:

Labcorp Genetics (formerly Invitae), Labcorp
Classification: Uncertain significance for Charcot-Marie-Tooth disease axonal type 2Z. Last evaluated: 2026-01-19. Review status: criteria provided, single submitter. Criteria: Invitae Variant Classification Sherloc (09022015). Collection method: clinical testing. Allele origin: germline.
Comment: This sequence change replaces lysine, which is basic and polar, with glutamic acid, which is acidic and polar, at codon 789 of the MORC2 protein (p.Lys789Glu). This variant is present in population databases (rs773667183, gnomAD 0.006%). This variant has not been reported in the literature in individuals affected with MORC2-related conditions. Invitae Evidence Modeling of protein sequence and biophysical properties (such as structural, functional, and spatial information, amino acid conservation, physicochemical variation, residue mobility, and thermodynamic stability) has been performed for this missense variant. However, the output from this modeling did not meet the statistical confidence thresholds required to predict the impact of this variant on MORC2 protein function. In summary, the available evidence is currently insufficient to determine the role of this variant in disease. Therefore, it has been classified as a Variant of Uncertain Significance.